The following is an entry in ClinVar:

NM_017831.4(RNF125):c.10G>C (p.Val4Leu)

Genes: RNF125 (ring finger protein 125; plus strand), LOC121852963 (Sharpr-MPRA regulatory region 13938; plus strand). Cytogenetic location: 18q12.1.
Variant type: single nucleotide variant.
Coding change: c.10G>C on transcript NM_017831.4 (MANE Select); coding-DNA position 10, G replaced by C.
Protein change: p.Val4Leu; replaces valine 4 with leucine.
Molecular consequence: missense variant.
Genome position (GRCh38, 1-based): chr18:32,018,873, G>C. VCF-style: chr18-32018873-G-C. GRCh37 (hg19) VCF-style: chr18-29598836-G-C.
Other names: short protein forms V4L.
Identifiers: ClinVar variation 1715375 (VCV001715375.6), dbSNP rs1361234287, ClinGen allele CA402252987.

ClinVar aggregate classification (germline): Uncertain significance (1 of 4 stars; one submission).

Conditions:
Tenorio syndrome (TNORS). Also called: OVERGROWTH, MACROCEPHALY, AND INTELLECTUAL DISABILITY SYNDROME. Identifiers: MedGen C4015710, MONDO:0014553, OMIM 616260.

Allele frequency attached by ClinVar (database versions not stated): TOPMed below 0.00001.
gnomAD v4.1: 3 of 1,585,132 alleles (0.00019%); highest among the groups gnomAD compares: Non-Finnish European, 0.00026%; no homozygotes.

Submission:

Labcorp Genetics (formerly Invitae), Labcorp
Classification: Uncertain significance for Tenorio syndrome. Last evaluated: 2024-10-17. Review status: criteria provided, single submitter. Criteria: Invitae Variant Classification Sherloc (09022015). Collection method: clinical testing. Allele origin: germline.
Comment: This sequence change replaces valine, which is neutral and non-polar, with leucine, which is neutral and non-polar, at codon 4 of the RNF125 protein (p.Val4Leu). This variant is present in population databases (no rsID available, gnomAD 0.002%). This variant has not been reported in the literature in individuals affected with RNF125-related conditions. ClinVar contains an entry for this variant (Variation ID: 1715375). An algorithm developed to predict the effect of missense changes on protein structure and function outputs the following: PolyPhen-2: "Benign". The leucine amino acid residue is found in multiple mammalian species, which suggests that this missense change does not adversely affect protein function. In summary, the available evidence is currently insufficient to determine the role of this variant in disease. Therefore, it has been classified as a Variant of Uncertain Significance.